The following is an entry in ClinVar:

ClinVar aggregate classification (germline): Uncertain significance (1 of 4 stars; one submission).

Submission:

Labcorp Genetics (formerly Invitae), Labcorp
Classification: Uncertain significance. Last evaluated: 2024-07-03. Review status: criteria provided, single submitter. Criteria: Invitae Variant Classification Sherloc (09022015). Collection method: clinical testing. Allele origin: germline.
Comment: This variant, c.1685_1687dup, results in the insertion of 1 amino acid(s) of the SMARCA2 protein (p.Arg562dup), but otherwise preserves the integrity of the reading frame. This variant is present in population databases (rs778376765, gnomAD 0.009%). This variant has not been reported in the literature in individuals affected with SMARCA2-related conditions. In summary, the available evidence is currently insufficient to determine the role of this variant in disease. Therefore, it has been classified as a Variant of Uncertain Significance.

NM_003070.5(SMARCA2):c.1676GGA[5] (p.Arg562_Lys563insArg)

Gene: SMARCA2 (SWI/SNF related BAF chromatin remodeling complex subunit ATPase 2; plus strand). Cytogenetic location: 9p24.3.
Variant type: Microsatellite.
Coding change: c.1676GGA[5] on transcript NM_003070.5 (MANE Select); five copies in a row of the 3-base unit GGA starting at c.1676; the reference has four copies in a row; one copy, 3 bases duplicated.
Protein change: p.Arg562_Lys563insArg.
Genome position (GRCh38, 1-based): chr9:2,060,979-2,060,981, GGA duplicated; duplicating any 3 consecutive bases within chr9:2,060,968-2,060,981 gives the same sequence; the position shown is the placement nearest the transcript's 3' end. VCF-style (leftmost placement, unchanged base first): chr9-2060967-A-AGAG. GRCh37 (hg19) VCF-style: chr9-2060967-A-AGAG.
Other names: c.1676GGA[5], p.Arg562_Lys563insArg (NM_001289396.2, NM_001289397.2, NM_139045.4).
Identifiers: ClinVar variation 3699580 (VCV003699580.2).